The following is an entry in ClinVar:

NM_001022.4(RPS19):c.1-2A>C

Genes: RPS19 (ribosomal protein S19; plus strand), RPS19-CD79A (RPS19-CD79A readthrough; plus strand). Cytogenetic location: 19q13.2.
Variant type: single nucleotide variant.
Coding change: c.1-2A>C on transcript NM_001022.4 (MANE Select); the canonical splice acceptor site of the intron before coding-DNA position 1, A replaced by C.
Molecular consequence: splice acceptor variant.
Genome position (GRCh38, 1-based): chr19:41,860,773, A>C. VCF-style: chr19-41860773-A-C. GRCh37 (hg19) VCF-style: chr19-42364843-A-C.
Other names: c.1-2A>C (NM_001321484.2, NM_001321485.2, NM_001321483.2).
Identifiers: ClinVar variation 3766828 (VCV003766828.1).
Genomic context (GRCh38, chr19:41,860,773, plus strand): 5'-TCCGTGCTCTTGGCAGTCGTCTCTGCCAGGCCTGTGTTCACATGCTTGACTTTCTCCCTC[A>C]GATGCCTGGAGTTACTGTAAAAGACGTGAACCAGCAGGAGTTCGTCAGAGCTCTGGCAGC-3'

ClinVar aggregate classification (germline): Pathogenic (1 of 4 stars; one submission).

Conditions:
Diamond-Blackfan anemia 1 (DBA1). Also called: RPS19-Related Diamond-Blackfan Anemia; BLACKFAN-DIAMOND SYNDROME; ANEMIA, CONGENITAL HYPOPLASTIC, OF BLACKFAN AND DIAMOND; ANEMIA, CONGENITAL ERYTHROID HYPOPLASTIC; RED CELL APLASIA, PURE, HEREDITARY; AREGENERATIVE ANEMIA, CHRONIC CONGENITAL. Identifiers: Orphanet 124, MedGen C2676137, MONDO:0007110, OMIM 105650.

Submission:

ARUP Laboratories, Molecular Genetics and Genomics, ARUP Laboratories
Classification: Pathogenic for Diamond-Blackfan anemia 1. Last evaluated: 2024-09-12. Review status: criteria provided, single submitter. Criteria: ARUP Molecular Germline Variant Investigation Process 2024. Collection method: clinical testing. Allele origin: germline.
Comment: The RPS19 c.1-2A>C variant, to our knowledge, is not reported in the medical literature or gene specific databases. This variant is also absent from the Genome Aggregation Database (v2.1.1), indicating it is not a common polymorphism. Additionally, other variants at this canonical splice site (c.1-2A>G, c.1-2A>T) have been reported in individuals with Diamond-Blackfan anemia and are considered disease causing (Boria 2010, Wan 2016). This variant disrupts the canonical splice acceptor site of intron 1, which is likely to negatively impact gene function. Based on available information, this variant is considered to be pathogenic. References: Boria I et al. The ribosomal basis of Diamond-Blackfan Anemia: mutation and database update. Hum Mutat. 2010 Dec;31(12):1269-79. PMID: 20960466. Wan Y et al. Clinical features, mutations and treatment of 104 patients of Diamond-Blackfan anemia in China: a single-center retrospective study. Int J Hematol. 2016 Oct;104(4):430-9. PMID: 27329125.